The following is an entry in ClinVar:

ClinVar aggregate classification (germline): Likely pathogenic. Review status: criteria provided, multiple submitters, no conflicts (2 of 4 stars). 2 submissions from 2 submitters: Likely pathogenic (2). Last evaluated 2023-02-22.

Submissions (2):

Labcorp Genetics (formerly Invitae), Labcorp
Classification: Likely pathogenic. Last evaluated: 2023-02-22. Review status: criteria provided, single submitter. Criteria: Invitae Variant Classification Sherloc (09022015). Collection method: clinical testing. Allele origin: germline.
Comment: In summary, the currently available evidence indicates that the variant is pathogenic, but additional data are needed to prove that conclusively. Therefore, this variant has been classified as Likely Pathogenic. This variant disrupts the p.Gly40 amino acid residue in GNAI3. Other variant(s) that disrupt this residue have been observed in individuals with GNAI3-related conditions (PMID: 22560091; Invitae), which suggests that this may be a clinically significant amino acid residue. An algorithm developed to predict the effect of missense changes on protein structure and function (PolyPhen-2) suggests that this variant is likely to be disruptive. ClinVar contains an entry for this variant (Variation ID: 1809757). This missense change has been observed in individual(s) with auriculocondylar syndrome 1 (Invitae). In at least one individual the variant was observed to be de novo. This variant is not present in population databases (gnomAD no frequency). This sequence change replaces glycine, which is neutral and non-polar, with valine, which is neutral and non-polar, at codon 40 of the GNAI3 protein (p.Gly40Val).

Athena Diagnostics
Classification: Likely pathogenic. Last evaluated: 2020-07-08. Review status: criteria provided, single submitter. Criteria: Athena Diagnostics Criteria. Collection method: clinical testing. Allele origin: unknown.
Comment: This variant has not been reported in large, multi-ethnic general populations. Computational tools yielded predictions that this amino acid change may be damaging to the protein. This observation is not an independent occurrence and has been identified in the same individual by RCIGM, the other laboratory participating in the GEMINI study.

Literature cited by the submitters: PubMed 22560091 (cited by Labcorp Genetics (formerly Invitae), Labcorp).

NM_006496.4(GNAI3):c.119G>T (p.Gly40Val)

Gene: GNAI3 (G protein subunit alpha i3; plus strand). Cytogenetic location: 1p13.3.
Variant type: single nucleotide variant.
Coding change: c.119G>T on transcript NM_006496.4 (MANE Select); coding-DNA position 119, G replaced by T.
Protein change: p.Gly40Val; replaces glycine 40 with valine.
Molecular consequence: missense variant.
Genome position (GRCh38, 1-based): chr1:109,573,737, G>T. VCF-style: chr1-109573737-G-T. GRCh37 (hg19) VCF-style: chr1-110116359-G-T.
Other names: short protein forms G40V.
Identifiers: ClinVar variation 1809757 (VCV001809757.4), dbSNP rs2524277188, ClinGen allele CA341537599.